The following is an entry in ClinVar:

NM_001122630.2(CDKN1C):c.538G>T (p.Ala180Ser)

Gene: CDKN1C (cyclin dependent kinase inhibitor 1C; minus strand). Cytogenetic location: 11p15.4.
Variant type: single nucleotide variant.
Coding change: c.538G>T on transcript NM_001122630.2 (MANE Select); coding-DNA position 538, G replaced by T.
Protein change: p.Ala180Ser; replaces alanine 180 with serine.
Molecular consequence: missense variant. On other transcripts: intron variant (1).
Genome position (GRCh38, 1-based): chr11:2,884,919, C>A on the plus strand (G>T on the coding strand, the complement: CDKN1C is on the minus strand). VCF-style: chr11-2884919-C-A. GRCh37 (hg19) VCF-style: chr11-2906149-C-A.
Other names: c.571G>T, p.Ala191Ser (NM_000076.2, NM_001362474.2, LRG_533t1); c.538G>T, p.Ala180Ser (NM_001122631.2); c.255+283G>T (NM_001362475.2); short protein forms A191S, A180S.
Identifiers: ClinVar variation 404253 (VCV000404253.9), dbSNP rs1060500180, ClinGen allele CA16613296.
Genomic context (GRCh38, chr11:2,884,919, plus strand): 5'-CGGGGGCCGGGGCCGGGGCCGGGGCCGGGGCTGGGGCCGGGGCCGCGACTGGAGCCGGGG[C>A]CGGAGCCGGAGCCGGAGCCGGGGCCGGGGCCGGGGCCAGGACCGCGACCGCGACCGGAGC-3'
Protein context (NP_001116102.1, residues 170-190): APAPAPAPAP[Ala180Ser]PAPVAAPAPA

ClinVar aggregate classification (germline): Uncertain significance (1 of 4 stars; one submission).

Conditions:
Beckwith-Wiedemann syndrome (BWS). Also called: EMG SYNDROME; Exomphalos macroglossia gigantism syndrome. Identifiers: Orphanet 116, MedGen C0004903, MONDO:0007534, OMIM 130650.

Submission:

Labcorp Genetics (formerly Invitae), Labcorp
Classification: Uncertain significance for Beckwith-Wiedemann syndrome. Last evaluated: 2018-09-05. Review status: criteria provided, single submitter. Criteria: Invitae Variant Classification Sherloc (09022015). Collection method: clinical testing. Allele origin: germline.
Comment: In summary, this variant is a novel missense change that is not predicted to affect protein function. There is no indication that it causes disease, but the available evidence is currently insufficient to prove that conclusively. Therefore, it has been classified as a Variant of Uncertain Significance. Algorithms developed to predict the effect of missense changes on protein structure and function output the following: (SIFT: "Tolerated"; PolyPhen-2: "Possibly-damaging"; Align-GVGD: "Class C0"). The serine amino acid residue is found in multiple mammalian species, suggesting that this missense change does not adversely affect protein function. These predictions have not been confirmed by published functional studies. While this variant is not present in population databases, the frequency information is unreliable, as metrics indicate poor data quality at this position in the ExAC database. This variant has not been reported in the literature in an individual with a CDKN1C-related disease. This sequence change replaces alanine with serine at codon 191 of the CDKN1C protein (p.Ala191Ser). The alanine residue is weakly conserved and there is a moderate physicochemical difference between alanine and serine.